The following is an entry in ClinVar:

NM_001114753.3(ENG):c.609G>C (p.Leu203Phe)

Gene: ENG (endoglin; minus strand). Cytogenetic location: 9q34.11.
Variant type: single nucleotide variant.
Coding change: c.609G>C on transcript NM_001114753.3 (MANE Select); coding-DNA position 609, G replaced by C.
Protein change: p.Leu203Phe; replaces leucine 203 with phenylalanine.
Molecular consequence: missense variant.
Genome position (GRCh38, 1-based): chr9:127,825,775, C>G on the plus strand (G>C on the coding strand, the complement: ENG is on the minus strand). VCF-style: chr9-127825775-C-G. GRCh37 (hg19) VCF-style: chr9-130588054-C-G.
Other names: c.609G>C, p.Leu203Phe (NM_000118.4, NM_001406715.1); c.63G>C, p.Leu21Phe (NM_001278138.2); short protein forms L203F, L21F.
Identifiers: ClinVar variation 1513279 (VCV001513279.10), dbSNP rs767850408, ClinGen allele CA5253070.

ClinVar aggregate classification (germline): Conflicting classifications of pathogenicity. Review status: criteria provided, conflicting classifications (1 of 4 stars). 2 submissions from 2 submitters: Uncertain significance (1); Likely benign (1). Last evaluated 2024-04-30.

Conditions:
ENG-related disorder. Also called: ENG-related disorders; ENG-related condition.
Hereditary hemorrhagic telangiectasia (HHT). Also called: ORW DISEASE; Osler Weber Rendu syndrome; OSLER-RENDU-WEBER DISEASE; Osler hemorrhagic telangiectasia syndrome. Identifiers: Orphanet 774, MedGen C0039445, MONDO:0019180. Disease mechanism: loss of function.

Allele frequency attached by ClinVar (database versions not stated): gnomAD exomes 0.00001 and 0.00002; TOPMed 0.00001; ExAC 0.00006.

Submissions (2):

Labcorp Genetics (formerly Invitae), Labcorp
Classification: Likely benign for Hereditary hemorrhagic telangiectasia. Last evaluated: 2024-04-30. Review status: criteria provided, single submitter. Criteria: Invitae Variant Classification Sherloc (09022015). Collection method: clinical testing. Allele origin: germline.

PreventionGenetics, part of Exact Sciences
Classification: Uncertain significance for ENG-related condition. Last evaluated: 2022-11-23. Review status: criteria provided, single submitter. Criteria: ACMG Guidelines, 2015. Collection method: clinical testing. Allele origin: germline.
Comment: The ENG c.609G>C variant is predicted to result in the amino acid substitution p.Leu203Phe. To our knowledge, this variant has not been reported in the literature. This variant is reported in 0.016% of alleles in individuals of Latino descent in gnomAD. Although we suspect that this variant may be benign, at this time, the clinical significance of this variant is uncertain due to the absence of conclusive functional and genetic evidence.